The following is an entry in ClinVar:

NM_000179.3(MSH6):c.1111G>C (p.Glu371Gln)

Gene: MSH6 (mutS homolog 6; plus strand). Cytogenetic location: 2p16.3.
Variant type: single nucleotide variant.
Coding change: c.1111G>C on transcript NM_000179.3 (MANE Select); coding-DNA position 1111, G replaced by C.
Protein change: p.Glu371Gln; replaces glutamic acid 371 with glutamine.
Molecular consequence: missense variant.
Genome position (GRCh38, 1-based): chr2:47,799,094, G>C. VCF-style: chr2-47799094-G-C. GRCh37 (hg19) VCF-style: chr2-48026233-G-C.
Other names: c.721G>C, p.Glu241Gln (NM_001281492.2); c.205G>C, p.Glu69Gln (NM_001281493.2, NM_001281494.2, NM_001406811.1 and 6 more transcripts); c.1207G>C, p.Glu403Gln (NM_001406795.1, NM_001406802.1); c.1111G>C, p.Glu371Gln (NM_001406796.1, NM_001406798.1, NM_001406800.1 and 4 more transcripts); c.814G>C, p.Glu272Gln (NM_001406797.1, NM_001406801.1, NM_001406805.1 and 10 more transcripts); c.586G>C, p.Glu196Gln (NM_001406799.1, NM_001406806.1, NM_001406807.1); c.1033G>C, p.Glu345Gln (NM_001406804.1); c.1117G>C, p.Glu373Gln (NM_001406813.1); and 1 more; short protein forms E196Q, E241Q, E272Q, E315Q, E345Q, E371Q, E373Q, E403Q.
Identifiers: ClinVar variation 1710950 (VCV001710950.5), dbSNP rs1336187952, ClinGen allele CA346741964.

ClinVar aggregate classification (germline): Uncertain significance. Review status: criteria provided, multiple submitters, no conflicts (2 of 4 stars). 3 submissions from 3 submitters: Uncertain significance (3). Last evaluated 2023-03-15.

Conditions:
Hereditary cancer-predisposing syndrome. Also called: Neoplastic Syndromes, Hereditary; Tumor predisposition; Hereditary Cancer Syndrome; Hereditary neoplastic syndrome. Identifiers: Orphanet 140162, MedGen C0027672, MeSH D009386, MONDO:0015356.
Lynch syndrome 5 (LYNCH5). Also called: Colorectal cancer, hereditary nonpolyposis, type 5; Hereditary non-polyposis colorectal cancer, type 5. Identifiers: Orphanet 144, MedGen C1833477, MONDO:0013710, OMIM 614350. Disease mechanism: loss of function.

Submissions (3):

Color Diagnostics, LLC DBA Color Health
Classification: Uncertain significance for Hereditary cancer-predisposing syndrome. Last evaluated: 2023-03-15. Review status: criteria provided, single submitter. Criteria: ACMG Guidelines, 2015. Collection method: clinical testing. Allele origin: germline.
Comment: This missense variant replaces glutamic acid with glutamine at codon 371 of the MSH6 protein. Computational prediction suggests that this variant may not impact protein structure and function (internally defined REVEL score threshold <= 0.5, PMID: 27666373). To our knowledge, functional studies have not been reported for this variant. This variant has not been reported in individuals affected with MSH6-related disorders in the literature. This variant has not been identified in the general population by the Genome Aggregation Database (gnomAD). The available evidence is insufficient to determine the role of this variant in disease conclusively. Therefore, this variant is classified as a Variant of Uncertain Significance.

St. Jude Molecular Pathology, St. Jude Children's Research Hospital
Classification: Uncertain significance for Lynch syndrome 5. Last evaluated: 2022-09-27. Review status: criteria provided, single submitter. Criteria: St. Jude Assertion Criteria 2020. Collection method: clinical testing. Allele origin: germline.
Comment: The MSH6 c.1111G>C (p.Glu371Gln) missense change is absent in gnomAD v2.1.1. The in silico tool REVEL is inconclusive about a pathogenic or benign effect of this variant on protein function, and to our knowledge functional studies have not been performed. To our knowledge, this variant has not been reported in individuals with Lynch syndrome or constitutional mismatch repair deficiency. In summary, the evidence currently available is insufficient to determine the clinical significance of this variant. It has therefore been classified as of uncertain significance.

Ambry Genetics
Classification: Uncertain significance for Hereditary cancer-predisposing syndrome. Last evaluated: 2022-08-18. Review status: criteria provided, single submitter. Criteria: Ambry Variant Classification Scheme 2023. Collection method: clinical testing. Allele origin: germline.
Comment: The p.E371Q variant (also known as c.1111G>C), located in coding exon 4 of the MSH6 gene, results from a G to C substitution at nucleotide position 1111. The glutamic acid at codon 371 is replaced by glutamine, an amino acid with highly similar properties. This amino acid position is conserved. In addition, the in silico prediction for this alteration is inconclusive. Since supporting evidence is limited at this time, the clinical significance of this alteration remains unclear.